The following is an entry in ClinVar:

NM_007186.6(CEP250):c.2647del (p.Glu883fs)

Genes: CEP250 (centrosomal protein 250; plus strand), CEP250-AS1 (CEP250 antisense RNA 1; minus strand). Cytogenetic location: 20q11.22.
Variant type: Deletion.
Coding change: c.2647del on transcript NM_007186.6 (MANE Select); coding-DNA position 2647, one base deleted (G; older notation c.2647delG).
Protein change: p.Glu883fs; shifts the reading frame from glutamic acid 883.
Molecular consequence: frameshift variant.
Genome position (GRCh38, 1-based): chr20:35,490,697, G deleted; the last of 3 consecutive G bases (chr20:35,490,695-35,490,697); deleting any one gives the same sequence. VCF-style (leftmost placement, unchanged base first): chr20-35490694-AG-A. GRCh37 (hg19) VCF-style: chr20-34078520-AG-A.
Other names: c.2647del (NM_007186.4); c.2647delG (NM_007186.5); c.751del, p.Glu251fs (NM_001318219.1); short protein forms E251fs, E883fs.
Identifiers: ClinVar variation 2985519 (VCV002985519.6), dbSNP rs1568806160, ClinGen allele CA635722524.

ClinVar aggregate classification (germline): Pathogenic/Likely pathogenic. Review status: criteria provided, multiple submitters, no conflicts (2 of 4 stars). 3 submissions from 3 submitters: Pathogenic (1); Likely pathogenic (1). 1 of the submissions does not count toward it. Last evaluated 2025-03-10.

Conditions:
CEP250-related disorder. Also called: CEP250-related condition.

Submissions (3):

Labcorp Genetics (formerly Invitae), Labcorp
Classification: Pathogenic. Last evaluated: 2025-03-10. Review status: criteria provided, single submitter. Criteria: Invitae Variant Classification Sherloc (09022015). Collection method: clinical testing. Allele origin: germline.
Comment: This sequence change creates a premature translational stop signal (p.Glu883Lysfs*7) in the CEP250 gene. It is expected to result in an absent or disrupted protein product. Loss-of-function variants in CEP250 are known to be pathogenic (PMID: 24780881, 29718797). This variant is present in population databases (no rsID available, gnomAD 0.0009%). This variant has not been reported in the literature in individuals affected with CEP250-related conditions. ClinVar contains an entry for this variant (Variation ID: 2985519). For these reasons, this variant has been classified as Pathogenic.

GeneDx
Classification: Likely pathogenic. Last evaluated: 2024-10-04. Review status: criteria provided, single submitter. Criteria: GeneDx Variant Classification Process June 2021. Collection method: clinical testing. Allele origin: germline. Affected: yes.
Comment: Reported previously in an unaffected carrier; however, no further information was provided (PMID: 31964843); Frameshift variant predicted to result in protein truncation or nonsense mediated decay in a gene for which loss of function is a known mechanism of disease; Not observed at significant frequency in large population cohorts (gnomAD); This variant is associated with the following publications: (PMID: 31964843)

PreventionGenetics, part of Exact Sciences
Classification: Likely pathogenic for CEP250-related condition. Last evaluated: 2024-02-29. Review status: no assertion criteria provided. Collection method: clinical testing. Allele origin: germline. Not counted in ClinVar's aggregate classification.
Comment: The CEP250 c.2647delG variant is predicted to result in a frameshift and premature protein termination (p.Glu883Lysfs*7). To our knowledge, this variant has not been reported in individuals with CEP250-associated disorders in the literature. This variant is reported in 0.00088% of alleles in individuals of European (Non-Finnish) descent in gnomAD. Frameshift variants in CEP250 are expected to be pathogenic. This variant is interpreted as likely pathogenic.

Literature cited by the submitters: PubMed 24780881 (cited by Labcorp Genetics (formerly Invitae), Labcorp); PubMed 29718797 (cited by Labcorp Genetics (formerly Invitae), Labcorp).